The following is an entry in ClinVar:

NM_000517.6(HBA2):c.132C>G (p.Phe44Leu)

Genes: HBA1 (hemoglobin subunit alpha 1; plus strand), HBA2 (hemoglobin subunit alpha 2; plus strand), LOC106804612 (hemoglobin subunit alpha 2 recombination region; plus strand). Cytogenetic location: 16p13.3.
Variant type: single nucleotide variant.
Coding change: c.132C>G on transcript NM_000517.6 (MANE Select); coding-DNA position 132, C replaced by G.
Protein change: p.Phe44Leu; replaces phenylalanine 44 with leucine.
Molecular consequence: missense variant.
Genome position (GRCh38, 1-based): chr16:173,161, C>G. VCF-style: chr16-173161-C-G. GRCh37 (hg19) VCF-style: chr16-223160-C-G.
Other names: F43L; Hb Hirosaki; c.132C>G (NM_000517.5); short protein forms F44L.
Identifiers: ClinVar variation 15743 (VCV000015743.3), dbSNP rs41491146, ClinGen allele CA276414606.

ClinVar aggregate classification (germline): Likely pathogenic. Review status: criteria provided, single submitter (1 of 4 stars). 2 submissions from 2 submitters: Likely pathogenic (1). 1 of the submissions does not count toward it. Last evaluated 2025-12-03.

Conditions:
alpha Thalassemia. Also called: Alpha thalassemia spectrum. Identifiers: Orphanet 846, MedGen C0002312, MONDO:0011399, OMIM 604131.
HEMOGLOBIN HIROSAKI.

Submissions (2):

Natera, Inc.
Classification: Likely pathogenic for Alpha thalassemia. Last evaluated: 2025-12-03. Review status: criteria provided, single submitter. Criteria: Natera Variant Classification Schema (03/2026). Collection method: clinical testing. Allele origin: germline.
Comment: The c.132C>G variant in HBA2 is a missense variant predicted to cause substitution of phenylalanine to leucine at amino acid 44. This variant is rare in the general population with a frequency below the threshold expected for the associated phenotype(s). This variant has been observed in one or more individuals affected with the associated recessive disease, as either homozygous or compound heterozygous with a second variant (PMID: 30486690). This variant has been identified in one or more affected individual with a phenotype highly consistent with the associated gene (PMID: 30486690). Computational prediction algorithms indicate this variant is likely to affect gene or protein function. Given the available evidence, this variant is classified as Likely Pathogenic.

OMIM
Classification: other for HEMOGLOBIN HIROSAKI. Last evaluated: 2018-05-10. Review status: no assertion criteria provided. Collection method: literature only. Allele origin: germline. Not counted in ClinVar's aggregate classification.

Literature cited by the submitters: PubMed 30486690 (cited by Natera, Inc.); PubMed 701086 (cited by OMIM); PubMed 640856 (cited by OMIM).